The following is an entry in ClinVar:

ClinVar aggregate classification (germline): Likely benign (1 of 4 stars; one submission).

Submission:

CeGaT Center for Human Genetics Tuebingen
Classification: Likely benign. Last evaluated: 2025-08-01. Review status: criteria provided, single submitter. Criteria: CeGaT Center For Human Genetics Tuebingen Variant Classification Criteria Version 2. Collection method: clinical testing. Allele origin: germline. Affected: yes. Observed: 1 variant allele.
Comment: APC: PM2:Supporting, BP4, BP7

NM_000038.6(APC):c.4071A>G (p.Gly1357=)

Gene: APC (APC regulator of Wnt signaling pathway; plus strand). Cytogenetic location: 5q22.2.
Variant type: single nucleotide variant.
Coding change: c.4071A>G on transcript NM_000038.6 (MANE Select); coding-DNA position 4071, A replaced by G.
Protein change: p.Gly1357=; no amino-acid change (glycine 1357 retained).
Molecular consequence: synonymous variant. On other transcripts: non-coding transcript variant (2).
Genome position (GRCh38, 1-based): chr5:112,839,665, A>G. VCF-style: chr5-112839665-A-G. GRCh37 (hg19) VCF-style: chr5-112175362-A-G.
Other names: c.4050A>G, p.Gly1350= (NM_001407451.1); c.4041A>G, p.Gly1347= (NM_001407452.1); c.3894A>G, p.Gly1298= (NM_001407453.1, NM_001354901.2); c.3822A>G, p.Gly1274= (NM_001407454.1, NM_001407455.1, NM_001407456.1 and 1 more transcripts); c.3768A>G, p.Gly1256= (NM_001407458.1, NM_001407459.1, NM_001407460.1 and 1 more transcripts); c.3684A>G, p.Gly1228= (NM_001407467.1, NM_001407469.1); c.3222A>G, p.Gly1074= (NM_001407470.1, NM_001354906.2); c.2919A>G, p.Gly973= (NM_001407471.1, NM_001407472.1); and 11 more.
Identifiers: ClinVar variation 4084246 (VCV004084246.8).
Genomic context (GRCh38, chr5:112,839,665, plus strand): 5'-GCAGGGTTCTAGTTTATCTTCAGAATCAGCCAGGCACAAAGCTGTTGAATTTTCTTCAGG[A>G]GCGAAATCTCCCTCCAAAAGTGGTGCTCAGACACCCAAAAGTCCACCTGAACACTATGTT-3'
Protein context (NP_000029.2, residues 1347-1367): ARHKAVEFSS[Gly1357=]AKSPSKSGAQ